The following is an entry in ClinVar:

NM_001111125.3(IQSEC2):c.2278G>C (p.Gly760Arg)

Gene: IQSEC2 (IQ motif and Sec7 domain ArfGEF 2; minus strand). Cytogenetic location: Xp11.22.
Variant type: single nucleotide variant.
Coding change: c.2278G>C on transcript NM_001111125.3 (MANE Select); coding-DNA position 2278, G replaced by C.
Protein change: p.Gly760Arg; replaces glycine 760 with arginine.
Molecular consequence: missense variant.
Genome position (GRCh38, 1-based): chrX:53,250,298, C>G on the plus strand (G>C on the coding strand, the complement: IQSEC2 is on the minus strand). VCF-style: chrX-53250298-C-G. GRCh37 (hg19) VCF-style: chrX-53279480-C-G.
Other names: c.2278G>C, p.Gly760Arg (NM_001410736.1); c.1663G>C, p.Gly555Arg (NM_015075.2); short protein forms G555R, G760R.
Identifiers: ClinVar variation 2006647 (VCV002006647.4), dbSNP rs1556862958, ClinGen allele CA413159553.

ClinVar aggregate classification (germline): Uncertain significance (1 of 4 stars; one submission).

Conditions:
Intellectual developmental disorder, X-linked 1. Also called: Atkin Flaitz Patil Smith syndrome; MENTAL RETARDATION, X-LINKED 18; MENTAL RETARDATION, X-LINKED 78; Intellectual disability, X-linked 1. Identifiers: Orphanet 777, MedGen C2931498, MONDO:0010656, OMIM 309530.

Submission:

Labcorp Genetics (formerly Invitae), Labcorp
Classification: Uncertain significance for Intellectual developmental disorder, X-linked 1. Last evaluated: 2022-06-14. Review status: criteria provided, single submitter. Criteria: Invitae Variant Classification Sherloc (09022015). Collection method: clinical testing. Allele origin: germline.
Comment: This sequence change replaces glycine, which is neutral and non-polar, with arginine, which is basic and polar, at codon 760 of the IQSEC2 protein (p.Gly760Arg). This variant is not present in population databases (gnomAD no frequency). This variant has not been reported in the literature in individuals affected with IQSEC2-related conditions. Advanced modeling of protein sequence and biophysical properties (such as structural, functional, and spatial information, amino acid conservation, physicochemical variation, residue mobility, and thermodynamic stability) performed at Invitae indicates that this missense variant is expected to disrupt IQSEC2 protein function. In summary, the available evidence is currently insufficient to determine the role of this variant in disease. Therefore, it has been classified as a Variant of Uncertain Significance.